The following is an entry in ClinVar:

NM_000138.5(FBN1):c.6988G>A (p.Glu2330Lys)

Gene: FBN1 (fibrillin 1; minus strand). Cytogenetic location: 15q21.1.
Variant type: single nucleotide variant.
Coding change: c.6988G>A on transcript NM_000138.5 (MANE Select); coding-DNA position 6988, G replaced by A.
Protein change: p.Glu2330Lys; replaces glutamic acid 2330 with lysine.
Molecular consequence: missense variant.
Genome position (GRCh38, 1-based): chr15:48,428,355, C>T on the plus strand (G>A on the coding strand, the complement: FBN1 is on the minus strand). VCF-style: chr15-48428355-C-T. GRCh37 (hg19) VCF-style: chr15-48720552-C-T.
Other names: short protein forms E2330K.
Identifiers: ClinVar variation 884560 (VCV000884560.18), dbSNP rs1042807324, ClinGen allele CA269521814.
Genomic context (GRCh38, chr15:48,428,355, plus strand): 5'-ATCCCAGTGTGGAGGCTGAGGTTAGGAAAGTGCGGTGCCAACTGTACTCACCAAGGCACT[C>T]GTCCTGGTTGGGGCTGGCGGTAAACCCATCATTACACTCACAGGTGTAGCTCCCACGGGT-3'
Protein context (NP_000129.3, residues 2320-2340): DGFTASPNQD[Glu2330Lys]CLDNREGYCF

ClinVar aggregate classification (germline): Uncertain significance. Review status: criteria provided, multiple submitters, no conflicts (2 of 4 stars). 11 submissions from 6 submitters: Uncertain significance (11). Last evaluated 2026-02-02.

Conditions:
Familial thoracic aortic aneurysm and aortic dissection (TAAD). Also called: Thoracic aortic aneurysms and dissections. Identifiers: Orphanet 91387, MedGen C4707243, MONDO:0019625.
Marfan syndrome (MFS). Also called: FBN1-Related Marfan Syndrome; Marfan's syndrome; MARFAN SYNDROME, TYPE I; Marfan syndrome type 1; Marfan syndrome, classic. Identifiers: Orphanet 284963, Orphanet 558, MedGen C0024796, MONDO:0007947, OMIM 154700.
Geleophysic dysplasia 2 (GPHYSD2). Identifiers: Orphanet 2623, MedGen C3280054, MONDO:0013612, OMIM 614185.
Ectopia lentis 1, isolated, autosomal dominant (ECTOL1). Identifiers: Orphanet 1885, MedGen C3541518, MONDO:0007514, OMIM 129600.
MASS syndrome (OCTD). Also called: OVERLAP CONNECTIVE TISSUE DISEASE; MASS PHENOTYPE. Identifiers: MedGen C1858556, MONDO:0011431, OMIM 604308.
Weill-Marchesani syndrome 2, dominant. Also called: FBN1-Related Weill-Marchesani Syndrome; Weill-Marchesani Syndrome, Autosomal Dominant. Identifiers: Orphanet 2084, MedGen C1869115, MONDO:0012013, OMIM 608328.
Acromicric dysplasia (ACMICD). Also called: Acromicric skeletal dysplasia. Identifiers: Orphanet 969, MedGen C0265287, MONDO:0007055, OMIM 102370.
Stiff skin syndrome (SSKS). Identifiers: Orphanet 2833, MedGen C1861456, MONDO:0008492, OMIM 184900.
Progeroid and marfanoid aspect-lipodystrophy syndrome. Also called: MARFANOID-PROGEROID-LIPODYSTROPHY SYNDROME; Marfan lipodystrophy syndrome; MARFANOID-PROGEROID SYNDROME; MARFAN-PROGEROID-LIPODYSTROPHY SYNDROME. Identifiers: Orphanet 300382, MedGen C4310796, MONDO:0014831, OMIM 616914.
Weill-Marchesani syndrome. Also called: WM Syndrome; Mesodermal dysmorphodystrophy congenital. Identifiers: Orphanet 3449, MedGen C0265313, MONDO:0018096.

Allele frequency attached by ClinVar (database versions not stated): TOPMed below 0.00001; gnomAD 0.00001.
gnomAD v4.1: 24 of 1,613,980 alleles (0.0015%); highest among the groups gnomAD compares: East Asian, 0.033%; no homozygotes.

Submissions (11):

Labcorp Genetics (formerly Invitae), Labcorp
Classification: Uncertain significance for Marfan syndrome; Familial thoracic aortic aneurysm and aortic dissection. Last evaluated: 2026-02-02. Review status: criteria provided, single submitter. Criteria: Invitae Variant Classification Sherloc (09022015). Collection method: clinical testing. Allele origin: germline.
Comment: This sequence change replaces glutamic acid, which is acidic and polar, with lysine, which is basic and polar, at codon 2330 of the FBN1 protein (p.Glu2330Lys). This variant is not present in population databases (gnomAD no frequency). This missense change has been observed in individual(s) with clinical features of Marfan syndrome (internal data). ClinVar contains an entry for this variant (Variation ID: 884560). Invitae Evidence Modeling of protein sequence and biophysical properties (such as structural, functional, and spatial information, amino acid conservation, physicochemical variation, residue mobility, and thermodynamic stability) has been performed for this missense variant. However, the output from this modeling did not meet the statistical confidence thresholds required to predict the impact of this variant on FBN1 protein function. In summary, the available evidence is currently insufficient to determine the role of this variant in disease. Therefore, it has been classified as a Variant of Uncertain Significance.

GeneDx
Classification: Uncertain significance. Last evaluated: 2024-05-13. Review status: criteria provided, single submitter. Criteria: GeneDx Variant Classification Process June 2021. Collection method: clinical testing. Allele origin: germline. Affected: yes.
Comment: Not observed at significant frequency in large population cohorts (gnomAD); In silico analysis supports that this missense variant has a deleterious effect on protein structure/function; Has not been previously published as pathogenic or benign to our knowledge; Although located in a calcium-binding EGF-like domain of the FBN1 gene, it does not affect a cysteine residue within this domain; cysteine substitutions in the calcium-binding EGF-like domains represent the majority of pathogenic missense changes associated with FBN1-related disorders (PMID: 12938084); This variant is associated with the following publications: (PMID: 12938084)

All of Us Research Program, National Institutes of Health
Classification: Uncertain significance for Marfan syndrome. Last evaluated: 2023-05-04. Review status: criteria provided, single submitter. Criteria: ACMG Guidelines, 2015. Collection method: clinical testing. Allele origin: germline. Inheritance: Autosomal dominant inheritance. Observed: 1 variant allele, 1 heterozygote.
Comment: This missense variant replaces glutamic acid with lysine at codon 2330 of the FBN1 protein. Computational prediction is inconclusive regarding the impact of this variant on protein structure and function (internally defined REVEL score threshold 0.5 < inconclusive < 0.7, PMID: 27666373). To our knowledge, functional studies have not been reported for this variant. This variant has not been reported in individuals affected with FBN1-related disorders in the literature. This variant has not been identified in the general population by the Genome Aggregation Database (gnomAD). The available evidence is insufficient to determine the role of this variant in disease conclusively. Therefore, this variant is classified as a Variant of Uncertain Significance.

This study involves interpretation of variants in research participants for the purpose of population health screening. Participant phenotype was not available at the time of variant classification. Additional details can be found in publication PMID: 35346344, PMCID: PMC8962531

Revvity Omics, Revvity
Classification: Uncertain significance. Last evaluated: 2022-09-14. Review status: criteria provided, single submitter. Criteria: ACMG Guidelines, 2015. Collection method: clinical testing. Allele origin: germline.

Fulgent Genetics
Classification: Uncertain significance for Acromicric dysplasia; Ectopia lentis 1, isolated, autosomal dominant; Marfan syndrome; Stiff skin syndrome; MASS syndrome; Weill-Marchesani syndrome 2, dominant; Geleophysic dysplasia 2; Progeroid and marfanoid aspect-lipodystrophy syndrome. Last evaluated: 2021-08-13. Review status: criteria provided, single submitter. Criteria: ACMG Guidelines, 2015. Collection method: clinical testing. Allele origin: unknown.

Illumina Laboratory Services, Illumina
Classification: Uncertain significance for Ectopia lentis 1, isolated, autosomal dominant. Last evaluated: 2018-01-12. Review status: criteria provided, single submitter. Criteria: ICSL Variant Classification Criteria 13 December 2019. Collection method: clinical testing. Allele origin: germline.

Illumina Laboratory Services, Illumina
Classification: Uncertain significance for Familial thoracic aortic aneurysm and aortic dissection. Last evaluated: 2018-01-12. Review status: criteria provided, single submitter. Criteria: ICSL Variant Classification Criteria 13 December 2019. Collection method: clinical testing. Allele origin: germline.

Illumina Laboratory Services, Illumina
Classification: Uncertain significance for Stiff skin syndrome. Last evaluated: 2018-01-12. Review status: criteria provided, single submitter. Criteria: ICSL Variant Classification Criteria 13 December 2019. Collection method: clinical testing. Allele origin: germline.

Illumina Laboratory Services, Illumina
Classification: Uncertain significance for Weill-Marchesani syndrome. Last evaluated: 2018-01-12. Review status: criteria provided, single submitter. Criteria: ICSL Variant Classification Criteria 13 December 2019. Collection method: clinical testing. Allele origin: germline.

Illumina Laboratory Services, Illumina
Classification: Uncertain significance for Acromicric dysplasia. Last evaluated: 2018-01-12. Review status: criteria provided, single submitter. Criteria: ICSL Variant Classification Criteria 13 December 2019. Collection method: clinical testing. Allele origin: germline.

Illumina Laboratory Services, Illumina
Classification: Uncertain significance for Marfan syndrome. Last evaluated: 2018-01-12. Review status: criteria provided, single submitter. Criteria: ICSL Variant Classification Criteria 13 December 2019. Collection method: clinical testing. Allele origin: germline.